The following is an entry in ClinVar:

ClinVar aggregate classification (germline): Likely benign (1 of 4 stars; one submission).

Allele frequency attached by ClinVar (database versions not stated): gnomAD exomes 0.00001; gnomAD 0.00005 and 0.00003; TOPMed 0.00003; ExAC 0.00001.
gnomAD v4.1: 10 of 1,613,010 alleles (0.00062%); highest among the groups gnomAD compares: African/African-American, 0.013%; no homozygotes.

Submission:

GeneDx
Classification: Likely benign. Last evaluated: 2018-04-25. Review status: criteria provided, single submitter. Criteria: GeneDx Variant Classification (06012015). Collection method: clinical testing. Allele origin: germline. Affected: yes.
Comment: This variant is considered likely benign or benign based on one or more of the following criteria: it is a conservative change, it occurs at a poorly conserved position in the protein, it is predicted to be benign by multiple in silico algorithms, and/or has population frequency not consistent with disease.

NM_001267550.2(TTN):c.56800G>C (p.Val18934Leu)

Genes: TTN (titin; minus strand), TTN-AS1 (TTN antisense RNA 1; plus strand). Cytogenetic location: 2q31.2.
Variant type: single nucleotide variant.
Coding change: c.56800G>C on transcript NM_001267550.2 (MANE Select); coding-DNA position 56800, G replaced by C.
Protein change: p.Val18934Leu; replaces valine 18934 with leucine.
Molecular consequence: missense variant.
Genome position (GRCh38, 1-based): chr2:178,598,910, C>G on the plus strand (G>C on the coding strand, the complement: TTN is on the minus strand). VCF-style: chr2-178598910-C-G. GRCh37 (hg19) VCF-style: chr2-179463637-C-G.
Other names: c.51877G>C, p.Val17293Leu (NM_001256850.1); c.29605G>C, p.Val9869Leu (NM_003319.4); c.49096G>C, p.Val16366Leu (NM_133378.4); c.29980G>C, p.Val9994Leu (NM_133432.3); c.30181G>C, p.Val10061Leu (NM_133437.4); short protein forms V10061L, V16366L, V9994L, V18934L, V9869L, V17293L.
Identifiers: ClinVar variation 667546 (VCV000667546.1), dbSNP rs772344497, ClinGen allele CA1993180.